The following is an entry in ClinVar:

ClinVar aggregate classification (germline): Uncertain significance. Review status: criteria provided, multiple submitters, no conflicts (2 of 4 stars). 2 submissions from 2 submitters: Uncertain significance (2). Last evaluated 2025-06-03.

Allele frequency attached by ClinVar (database versions not stated): ExAC 0.00001; gnomAD exomes 0.00002; ESP Exome Variant Server 0.00008.
gnomAD v4.1: 5 of 1,613,754 alleles (0.00031%); highest among the groups gnomAD compares: Admixed American, 0.0083%; no homozygotes.

Submissions (2):

Ambry Genetics
Classification: Uncertain significance. Last evaluated: 2025-06-03. Review status: criteria provided, single submitter. Criteria: Ambry Variant Classification Scheme 2023. Collection method: clinical testing. Allele origin: germline.

Labcorp Genetics (formerly Invitae), Labcorp
Classification: Uncertain significance. Last evaluated: 2025-03-30. Review status: criteria provided, single submitter. Criteria: Invitae Variant Classification Sherloc (09022015). Collection method: clinical testing. Allele origin: germline.
Comment: This sequence change replaces glutamine, which is neutral and polar, with histidine, which is basic and polar, at codon 255 of the CLUAP1 protein (p.Gln255His). This variant is present in population databases (rs150154906, gnomAD 0.01%). This variant has not been reported in the literature in individuals affected with CLUAP1-related conditions. ClinVar contains an entry for this variant (Variation ID: 1414600). Invitae Evidence Modeling of protein sequence and biophysical properties (such as structural, functional, and spatial information, amino acid conservation, physicochemical variation, residue mobility, and thermodynamic stability) indicates that this missense variant is not expected to disrupt CLUAP1 protein function with a negative predictive value of 80%. In summary, the available evidence is currently insufficient to determine the role of this variant in disease. Therefore, it has been classified as a Variant of Uncertain Significance.

NM_015041.3(CLUAP1):c.765G>C (p.Gln255His)

Gene: CLUAP1 (clusterin associated protein 1; plus strand). Cytogenetic location: 16p13.3.
Variant type: single nucleotide variant.
Coding change: c.765G>C on transcript NM_015041.3 (MANE Select); coding-DNA position 765, G replaced by C.
Protein change: p.Gln255His; replaces glutamine 255 with histidine.
Molecular consequence: missense variant.
Genome position (GRCh38, 1-based): chr16:3,523,209, G>C. VCF-style: chr16-3523209-G-C. GRCh37 (hg19) VCF-style: chr16-3573209-G-C.
Other names: c.765G>C (NM_015041.1); c.765G>C, p.Gln255His (NM_001330454.2); c.267G>C, p.Gln89His (NM_024793.3); short protein forms Q89H, Q255H.
Identifiers: ClinVar variation 1414600 (VCV001414600.9), dbSNP rs150154906, ClinGen allele CA7863844.
Genomic context (GRCh38, chr16:3,523,209, plus strand): 5'-TTCTTTTAGGCCATGTTTTATGGATGAGTATGAGAAGACTGAGGAAGAATTACAAAAGCA[G>C]TATGACACTTATCTGGAGAAATTTCAAAATCTGACTTATCTGGAACAACAGCTTGAAGAC-3'
Protein context (NP_055856.1, residues 245-265): YEKTEEELQK[Gln255His]YDTYLEKFQN